The following is an entry in ClinVar:

ClinVar aggregate classification (germline): Uncertain significance (1 of 4 stars; one submission).

gnomAD v4.1: 2 of 1,320,906 alleles (0.00015%); no homozygotes.

Submission:

Labcorp Genetics (formerly Invitae), Labcorp
Classification: Uncertain significance. Last evaluated: 2024-04-25. Review status: criteria provided, single submitter. Criteria: Invitae Variant Classification Sherloc (09022015). Collection method: clinical testing. Allele origin: germline.
Comment: This sequence change replaces serine, which is neutral and polar, with leucine, which is neutral and non-polar, at codon 5 of the ACE protein (p.Ser5Leu). This variant is not present in population databases (gnomAD no frequency). This variant has not been reported in the literature in individuals affected with ACE-related conditions. An algorithm developed to predict the effect of missense changes on protein structure and function (PolyPhen-2) suggests that this variant is likely to be tolerated. In summary, the available evidence is currently insufficient to determine the role of this variant in disease. Therefore, it has been classified as a Variant of Uncertain Significance.

NM_000789.4(ACE):c.14C>T (p.Ser5Leu)

Gene: ACE (angiotensin I converting enzyme; plus strand). Cytogenetic location: 17q23.3.
Variant type: single nucleotide variant.
Coding change: c.14C>T on transcript NM_000789.4 (MANE Select); coding-DNA position 14, C replaced by T.
Protein change: p.Ser5Leu; replaces serine 5 with leucine.
Molecular consequence: missense variant. On other transcripts: 5 prime UTR variant (2).
Genome position (GRCh38, 1-based): chr17:63,477,108, C>T. VCF-style: chr17-63477108-C-T. GRCh37 (hg19) VCF-style: chr17-61554469-C-T.
Other names: c.-222C>T (NM_001382700.1); c.-601C>T (NM_001382701.1); short protein forms S5L.
Identifiers: ClinVar variation 3710463 (VCV003710463.2).
Genomic context (GRCh38, chr17:63,477,108, plus strand): 5'-GCCGCGGCGCAGGAGAAGGGGCAGAGCCGAGCACCGCGCACCGCGTCATGGGGGCCGCCT[C>T]GGGCCGCCGGGGGCCGGGGCTGCTGCTGCCGCTGCCGCTGCTGTTGCTGCTGCCGCCGCA-3'
Protein context (NP_000780.1, residues 1-15): MGAA[Ser5Leu]GRRGPGLLLP